The following is an entry in ClinVar:

NM_001199753.2(CPT1C):c.274C>A (p.Pro92Thr)

Gene: CPT1C (carnitine palmitoyltransferase 1C; plus strand). Cytogenetic location: 19q13.33.
Variant type: single nucleotide variant.
Coding change: c.274C>A on transcript NM_001199753.2 (MANE Select); coding-DNA position 274, C replaced by A.
Protein change: p.Pro92Thr; replaces proline 92 with threonine.
Molecular consequence: missense variant. On other transcripts: non-coding transcript variant (1).
Genome position (GRCh38, 1-based): chr19:49,697,458, C>A. VCF-style: chr19-49697458-C-A. GRCh37 (hg19) VCF-style: chr19-50200715-C-A.
Other names: c.274C>A, p.Pro92Thr (NM_001136052.3, NM_001199752.3, NM_001378482.1 and 7 more transcripts); short protein forms P92T.
Identifiers: ClinVar variation 2859423 (VCV002859423.3), dbSNP rs1202091404, ClinGen allele CA406897160.

ClinVar aggregate classification (germline): Uncertain significance (1 of 4 stars; one submission).

Conditions:
Hereditary spastic paraplegia 73. Also called: Spastic paraplegia 73, autosomal dominant. Identifiers: Orphanet 444099, MedGen C5568981, MONDO:0014568, OMIM 616282.

Allele frequency attached by ClinVar (database versions not stated): gnomAD 0.00001; gnomAD exomes 0.00001; TOPMed 0.00001.
gnomAD v4.1: 17 of 1,613,864 alleles (0.0011%); highest among the groups gnomAD compares: Non-Finnish European, 0.0014%; no homozygotes.

Submission:

Labcorp Genetics (formerly Invitae), Labcorp
Classification: Uncertain significance for Hereditary spastic paraplegia 73. Last evaluated: 2023-05-25. Review status: criteria provided, single submitter. Criteria: Invitae Variant Classification Sherloc (09022015). Collection method: clinical testing. Allele origin: germline.
Comment: In summary, the available evidence is currently insufficient to determine the role of this variant in disease. Therefore, it has been classified as a Variant of Uncertain Significance. This sequence change replaces proline, which is neutral and non-polar, with threonine, which is neutral and polar, at codon 92 of the CPT1C protein (p.Pro92Thr). This variant is not present in population databases (gnomAD no frequency). This variant has not been reported in the literature in individuals affected with CPT1C-related conditions. An algorithm developed to predict the effect of missense changes on protein structure and function (PolyPhen-2) suggests that this variant is likely to be disruptive.